The following is an entry in ClinVar:

ClinVar aggregate classification (germline): Uncertain significance (1 of 4 stars; one submission).

Conditions:
RFT1-congenital disorder of glycosylation (CDG1N). Also called: CDG In; Congenital disorder of glycosylation type In; RFT1-CDG. Identifiers: Orphanet 244310, MedGen C2677590, MONDO:0012783, OMIM 612015.

Submission:

Hadassah Hebrew University Medical Center
Classification: Uncertain significance for RFT1-congenital disorder of glycosylation. Last evaluated: 2025-10-01. Review status: criteria provided, single submitter. Criteria: ACMG Guidelines, 2015. Collection method: clinical testing. Allele origin: germline. Affected: yes.
Comment: This intronic variant is located in intron 12 of RFT1. It is predicted by computational prediction tools to disrupt mRNA splicing.

NM_052859.4(RFT1):c.1459-22T>G

Gene: RFT1 (RFT1 glycolipid translocator homolog; minus strand). Cytogenetic location: 3p21.1.
Variant type: single nucleotide variant.
Coding change: c.1459-22T>G on transcript NM_052859.4 (MANE Select); 22 bases into the intron before coding-DNA position 1459, T replaced by G.
Molecular consequence: intron variant.
Genome position (GRCh38, 1-based): chr3:53,092,092, A>C on the plus strand (T>G on the coding strand, the complement: RFT1 is on the minus strand). VCF-style: chr3-53092092-A-C. GRCh37 (hg19) VCF-style: chr3-53126108-A-C.
Identifiers: ClinVar variation 4526666 (VCV004526666.1).